The following is an entry in ClinVar:

NM_001080467.3(MYO5B):c.1346del (p.Ser449fs)

Gene: MYO5B (myosin VB; minus strand). Cytogenetic location: 18q21.1.
Variant type: Deletion.
Coding change: c.1346del on transcript NM_001080467.3 (MANE Select); coding-DNA position 1346, one base deleted (G; older notation c.1346delG).
Protein change: p.Ser449fs; shifts the reading frame from serine 449.
Molecular consequence: frameshift variant.
Genome position (GRCh38, 1-based): chr18:49,963,007, C deleted on the plus strand (G on the coding strand, the reverse complement: MYO5B is on the minus strand). VCF-style (leftmost placement, unchanged base first): chr18-49963006-GC-G. GRCh37 (hg19) VCF-style: chr18-47489376-GC-G.
Other names: short protein forms S449fs.
Identifiers: ClinVar variation 4814142 (VCV004814142.1).

ClinVar aggregate classification (germline): Pathogenic (1 of 4 stars; one submission).

Conditions:
Congenital microvillous atrophy (DIAR2). Also called: Diarrhea 2 with microvillus atrophy, with or without cholestasis; CONGENITAL FAMILIAL PROTRACTED DIARRHEA WITH ENTEROCYTE BRUSH-BORDER ABNORMALITIES; DAVIDSON DISEASE; MICROVILLUS ATROPHY, CONGENITAL; Microvillus inclusion disease. Identifiers: Orphanet 2290, MedGen C0341306, MONDO:0009635, OMIM 251850.

Submission:

OLLIN Analises Genomicas, OLLIN
Classification: Pathogenic for Congenital microvillous atrophy. Last evaluated: 2025-09-16. Review status: criteria provided, single submitter. Criteria: ACMG Guidelines 2015 PMID 25741868. Collection method: clinical testing. Allele origin: germline. Affected: yes. Observed: 1 variant allele.
Comment: The frameshift variant (chr18:49963006GC>G), located in exon 11 (of 40), described in gnomAD v4.1 non-UKB with an allele frequency of 0.00016% (1 heterozygote), is not reported in ClinVar nor in the scientific literature. This variant promotes a frameshift with subsequent introduction of a premature stop codon, resulting in a truncated protein or mRNA degradation via nonsense-mediated decay (NMD). According to currently available evidence, this variant has been classified as pathogenic (PVS1, PM2_P, PM3_P).